The following is an entry in ClinVar:

ClinVar aggregate classification (germline): Pathogenic (1 of 4 stars; one submission).

Conditions:
Hereditary cancer-predisposing syndrome. Also called: Neoplastic Syndromes, Hereditary; Tumor predisposition; Hereditary Cancer Syndrome; Hereditary neoplastic syndrome. Identifiers: Orphanet 140162, MedGen C0027672, MeSH D009386, MONDO:0015356.

Submission:

Ambry Genetics
Classification: Pathogenic for Hereditary cancer-predisposing syndrome. Last evaluated: 2023-04-26. Review status: criteria provided, single submitter. Criteria: Ambry Variant Classification Scheme 2023. Collection method: clinical testing. Allele origin: germline.
Comment: The c.844dupA pathogenic mutation, located in coding exon 7 of the NBN gene, results from a duplication of A at nucleotide position 844, causing a translational frameshift with a predicted alternate stop codon (p.I282Nfs*3). This alteration is expected to result in loss of function by premature protein truncation or nonsense-mediated mRNA decay. This variant is considered to be rare based on population cohorts in the Genome Aggregation Database (gnomAD). As such, this alteration is interpreted as a disease-causing mutation.

NM_002485.5(NBN):c.844dup (p.Ile282fs)

Gene: NBN (nibrin; minus strand). Cytogenetic location: 8q21.3.
Variant type: Duplication.
Coding change: c.844dup on transcript NM_002485.5 (MANE Select); coding-DNA position 844, one base duplicated (A; older notation c.844dupA).
Protein change: p.Ile282fs; shifts the reading frame from isoleucine 282.
Molecular consequence: frameshift variant.
Genome position (GRCh38, 1-based): chr8:89,970,416, T duplicated on the plus strand (A on the coding strand, the reverse complement: NBN is on the minus strand); the first of 2 consecutive T bases (chr8:89,970,416-89,970,417); duplicating either gives the same sequence. VCF-style (leftmost placement, unchanged base first): chr8-89970415-A-AT. GRCh37 (hg19) VCF-style: chr8-90982643-A-AT.
Other names: c.598dup, p.Ile200fs (NM_001024688.3); c.844dupA (NM_002485.4); short protein forms I282fs, I200fs.
Identifiers: ClinVar variation 481848 (VCV000481848.6), dbSNP rs1554563861, ClinGen allele CA658657804.